The following is an entry in ClinVar:

ClinVar aggregate classification (oncogenicity): Oncogenic (1 of 4 stars; one submission).

Conditions:
Acute myeloid leukemia (AML). Also called: Acute myeloid leukemia, adult; AML adult; Acute non-lymphocytic leukemia; Acute granulocytic leukemia; Leukemia, acute myeloid, somatic; Leukemia, acute myelogenous, somatic. Identifiers: Orphanet 519, MedGen C0023467, MeSH D015470, MONDO:0018874, OMIM 601626, HP:0004808. Disease mechanism: Constitutively activated FLT3.

Submission:

Department of Pathology, Institute of Nuclear Medicine and Oncology
Classification: Oncogenic for Acute myeloid leukemia. Last evaluated: 2024-11-05. Review status: criteria provided, single submitter. Criteria: Assertion Criteria (1). Collection method: research. Allele origin: somatic. Affected: yes.
Comment: NRAS, Transcript: NM_002524.5 cDNA Change: c.103A>T Protein Change: p.T35S Mutation Type: Missense mutation in exon 2, within the GTPase domain. Evidence: Recurrent somatic mutation in AML and other myeloid neoplasms - Known activating mutation causing constitutive RAS/MAPK pathway signaling. Functional studies confirm oncogenic loss-of-function effect. Genomic Location (GRCh38): chr1:114,716,058T>A NRAS c.103A>T ( p.T35S) is a oncogenic, somatic mutation which is not commonly seen in AML. This variant haven't been reported in any databases such as Clinvar, HGMD and LOVD etc. It leads to constitutive activation of the RAS signaling pathway, contributing to leukemogenesis. While no approved NRAS-targeted therapies currently exist, this mutation may influence prognosis and inform eligibility for clinical trials targeting downstream pathways. Co-mutation analysis is recommended for comprehensive risk stratification. In summary, NRAS p.T35S variant meets our criteria to be classified as somatic, oncogenic and having poor prognostic outcomes resulting in acute myeloid leukemia.

NM_002524.5(NRAS):c.103A>T (p.Thr35Ser)

Gene: NRAS (NRAS proto-oncogene, GTPase; minus strand). Cytogenetic location: 1p13.2.
Variant type: single nucleotide variant.
Coding change: c.103A>T on transcript NM_002524.5 (MANE Select); coding-DNA position 103, A replaced by T.
Protein change: p.Thr35Ser; replaces threonine 35 with serine.
Molecular consequence: missense variant.
Genome position (GRCh38, 1-based): chr1:114,716,058, T>A on the plus strand (A>T on the coding strand, the complement: NRAS is on the minus strand). VCF-style: chr1-114716058-T-A. GRCh37 (hg19) VCF-style: chr1-115258679-T-A.
Other names: short protein forms T35S.
Identifiers: ClinVar variation 4526661 (VCV004526661.1).